The following is an entry in ClinVar:

ClinVar aggregate classification (germline): Uncertain significance. Review status: criteria provided, multiple submitters, no conflicts (2 of 4 stars). 3 submissions from 3 submitters: Uncertain significance (3). Last evaluated 2025-10-23.

Conditions:
Hereditary cancer-predisposing syndrome. Also called: Tumor predisposition; Hereditary neoplastic syndrome; Neoplastic Syndromes, Hereditary; Hereditary Cancer Syndrome. Identifiers: Orphanet 140162, MedGen C0027672, MeSH D009386, MONDO:0015356.
Fanconi anemia complementation group O. Also called: RAD51C-Related Fanconi Anemia. Identifiers: Orphanet 84, MedGen C3150653, MONDO:0013248, OMIM 613390.

Allele frequency attached by ClinVar (database versions not stated): gnomAD exomes below 0.00001.
gnomAD v4.1: 1 of 1,614,220 alleles (0.000062%); highest among the groups gnomAD compares: Admixed American, 0.0017%; no homozygotes.

Submissions (3):

Labcorp Genetics (formerly Invitae), Labcorp
Classification: Uncertain significance for Fanconi anemia complementation group O. Last evaluated: 2025-10-23. Review status: criteria provided, single submitter. Criteria: Invitae Variant Classification Sherloc (09022015). Collection method: clinical testing. Allele origin: germline.
Comment: This sequence change replaces isoleucine, which is neutral and non-polar, with leucine, which is neutral and non-polar, at codon 144 of the RAD51C protein (p.Ile144Leu). This variant is present in population databases (no rsID available, gnomAD 0.003%). This variant has not been reported in the literature in individuals affected with RAD51C-related conditions. ClinVar contains an entry for this variant (Variation ID: 927018). Invitae Evidence Modeling of protein sequence and biophysical properties (such as structural, functional, and spatial information, amino acid conservation, physicochemical variation, residue mobility, and thermodynamic stability) indicates that this missense variant is not expected to disrupt RAD51C protein function with a negative predictive value of 80%. In summary, the available evidence is currently insufficient to determine the role of this variant in disease. Therefore, it has been classified as a Variant of Uncertain Significance.

Ambry Genetics
Classification: Uncertain significance for Hereditary cancer-predisposing syndrome. Last evaluated: 2024-08-30. Review status: criteria provided, single submitter. Criteria: Ambry Variant Classification Scheme 2023. Collection method: clinical testing. Allele origin: germline.
Comment: The p.I144L variant (also known as c.430A>T), located in coding exon 3 of the RAD51C gene, results from an A to T substitution at nucleotide position 430. The isoleucine at codon 144 is replaced by leucine, an amino acid with highly similar properties. This amino acid position is conserved. In addition, this alteration is predicted to be tolerated by in silico analysis. Since supporting evidence is limited at this time, the clinical significance of this alteration remains unclear.

Color Diagnostics, LLC DBA Color Health
Classification: Uncertain significance for Hereditary cancer-predisposing syndrome. Last evaluated: 2023-12-04. Review status: criteria provided, single submitter. Criteria: ACMG Guidelines, 2015. Collection method: clinical testing. Allele origin: germline.
Comment: This missense variant replaces isoleucine with leucine at codon 144 of the RAD51C protein. Computational prediction suggests that this variant may not impact protein structure and function (internally defined REVEL score threshold <= 0.5, PMID: 27666373). To our knowledge, functional studies have not been reported for this variant. This variant has not been reported in individuals affected with RAD51C-related disorders in the literature. This variant has been identified in 1/251478 chromosomes in the general population by the Genome Aggregation Database (gnomAD). The available evidence is insufficient to determine the role of this variant in disease conclusively. Therefore, this variant is classified as a Variant of Uncertain Significance.

NM_058216.3(RAD51C):c.430A>T (p.Ile144Leu)

Gene: RAD51C (RAD51 paralog C; plus strand). Cytogenetic location: 17q22.
Variant type: single nucleotide variant.
Coding change: c.430A>T on transcript NM_058216.3 (MANE Select); coding-DNA position 430, A replaced by T.
Protein change: p.Ile144Leu; replaces isoleucine 144 with leucine.
Molecular consequence: missense variant.
Genome position (GRCh38, 1-based): chr17:58,696,718, A>T. VCF-style: chr17-58696718-A-T. GRCh37 (hg19) VCF-style: chr17-56774079-A-T.
Other names: short protein forms I144L.
Identifiers: ClinVar variation 927018 (VCV000927018.11), dbSNP rs1271229750, ClinGen allele CA400344006.